The following is an entry in ClinVar:

NM_014000.3(VCL):c.1303del (p.Glu437fs)

Gene: VCL (vinculin; plus strand). Cytogenetic location: 10q22.2.
Variant type: Deletion.
Coding change: c.1303del on transcript NM_014000.3 (MANE Select); coding-DNA position 1303, one base deleted (C; older notation c.1303delC).
Protein change: p.Glu437fs; shifts the reading frame from glutamic acid 437.
Molecular consequence: frameshift variant.
Genome position (GRCh38, 1-based): chr10:74,090,149, C deleted; the last of 3 consecutive C bases (chr10:74,090,147-74,090,149); deleting any one gives the same sequence. VCF-style (leftmost placement, unchanged base first): chr10-74090146-TC-T. GRCh37 (hg19) VCF-style: chr10-75849904-TC-T.
Other names: c.1303del, p.Glu437fs (NM_003373.4); short protein forms E437fs.
Identifiers: ClinVar variation 3632019 (VCV003632019.3).
Genomic context (GRCh38, chr10:74,090,146, plus strand): 5'-GAAGCTCGGAAAATAGCAGAATTATGTGATGATCCTAAAGAAAGAGATGACATTCTACGT[TC>T]CCTTGGGGAAATATCTGCTCTGACTTCTAAATTAGCAGATCTACGAAGACAGTATGTATT-3'

ClinVar aggregate classification (germline): Conflicting classifications of pathogenicity. Review status: criteria provided, conflicting classifications (1 of 4 stars). 2 submissions from 2 submitters: Likely pathogenic (1); Uncertain significance (1). Last evaluated 2026-05-18.

Conditions:
Dilated cardiomyopathy 1W (CMD1W). Identifiers: Orphanet 154, MedGen C1969639, MONDO:0012667, OMIM 611407.

Submissions (2):

Victorian Clinical Genetics Services, Murdoch Childrens Research Institute
Classification: Likely pathogenic for Dilated cardiomyopathy 1W. Last evaluated: 2026-05-18. Review status: criteria provided, single submitter. Criteria: ACMG Guidelines, 2015. Collection method: clinical testing. Allele origin: germline. Affected: yes.
Comment: This variant is classified as Likely pathogenic. Evidence in support of pathogenic classification: Variant is predicted to cause nonsense-mediated decay (NMD) and loss of protein (premature termination codon is located at least 54 nucleotides upstream of the final exon-exon junction); Variant is present in gnomAD <0.001 for a dominant condition (v4: 2 heterozygote(s), 0 homozygote(s)); Other NMD-predicted variants comparable to the one identified in this case have moderate previous evidence for pathogenicity. The majority of NMD-predicted variants have been classified as VUS by clinical laboratories in ClinVar. However, several cardiomyopathy cohort studies have shown a significant enrichment of VCL NMD predicted variants in individuals with DCM (CCID:006518, PMIDs: 31983221, 32516855, 37548861). Additional information: This variant is heterozygous; This gene is associated with autosomal dominant disease; Previous evidence of pathogenicity for this variant is inconclusive. This variant has been classified as a VUS by a clinical laboratory in ClinVar. - No published evidence of segregation with disease has been identified for this variant; No published functional evidence has been identified for this variant; Loss of function is the likely mechanism of disease in this gene and is associated with dilated cardiomyopathy 1W (MIM#611407). NMD predicted variants have been reported in individuals with DCM and knock out mouse models are consistent with this phenotype (ClinGen, PMID: 17785437); The condition associated with this gene has incomplete penetrance. Asymptomatic individuals with heterozygous variants have been reported in families with null variants (PMID: 32516855); Inheritance information for this variant is not currently available in this individual.

Labcorp Genetics (formerly Invitae), Labcorp
Classification: Uncertain significance for Dilated cardiomyopathy 1W. Last evaluated: 2024-10-22. Review status: criteria provided, single submitter. Criteria: Invitae Variant Classification Sherloc (09022015). Collection method: clinical testing. Allele origin: germline.
Comment: This sequence change creates a premature translational stop signal (p.Glu437Lysfs*5) in the VCL gene. It is expected to result in an absent or disrupted protein product. However, the current clinical and genetic evidence is not sufficient to establish whether loss-of-function variants in VCL cause disease. This variant is present in population databases (no rsID available, gnomAD 0.007%). This premature translational stop signal has been observed in individual(s) with dilated cardiomyopathy (PMID: 36252119). In summary, the available evidence is currently insufficient to determine the role of this variant in disease. Therefore, it has been classified as a Variant of Uncertain Significance.

Literature cited by the submitters: PubMed 32516855 (cited by Victorian Clinical Genetics Services, Murdoch Childrens Research Institute); PubMed 31983221 (cited by Victorian Clinical Genetics Services, Murdoch Childrens Research Institute); PubMed 37548861 (cited by Victorian Clinical Genetics Services, Murdoch Childrens Research Institute); PubMed 17785437 (cited by Victorian Clinical Genetics Services, Murdoch Childrens Research Institute); PubMed 36252119 (cited by Labcorp Genetics (formerly Invitae), Labcorp).